The following is an entry in ClinVar:

ClinVar aggregate classification (germline): Likely benign. Review status: criteria provided, multiple submitters, no conflicts (2 of 4 stars). 2 submissions from 2 submitters: Likely benign (2). Last evaluated 2025-02-26.

Conditions:
RPGRIP1L-related disorder. Also called: RPGRIP1L-related condition; RPGRIP1L-related disorders. Identifiers: MedGen CN239416.
Joubert syndrome. Also called: Familial aplasia of the vermis; JOUBERT-BOLTSHAUSER SYNDROME. Identifiers: Orphanet 475, MedGen C5979921, MONDO:0018772.
Meckel-Gruber syndrome. Also called: Dysencephalia splachnocystica; DYSENCEPHALIA SPLANCHNOCYSTICA; GRUBER SYNDROME. Identifiers: Orphanet 564, MedGen C0265215, MONDO:0018921.

Allele frequency attached by ClinVar (database versions not stated): TOPMed below 0.00001; gnomAD 0.00001.
gnomAD v4.1: 4 of 643,896 alleles (0.00062%); highest among the groups gnomAD compares: Admixed American, 0.0021%; no homozygotes.

Submissions (2):

PreventionGenetics, part of Exact Sciences
Classification: Likely benign for RPGRIP1L-related condition. Last evaluated: 2025-02-26. Review status: criteria provided, single submitter. Criteria: ACMG Guidelines, 2015. Collection method: clinical testing. Allele origin: germline.
Comment: This variant is classified as likely benign based on ACMG/AMP sequence variant interpretation guidelines (Richards et al. 2015 PMID: 25741868, with internal and published modifications).

Labcorp Genetics (formerly Invitae), Labcorp
Classification: Likely benign for Joubert syndrome; Meckel-Gruber syndrome. Last evaluated: 2024-01-16. Review status: criteria provided, single submitter. Criteria: Invitae Variant Classification Sherloc (09022015). Collection method: clinical testing. Allele origin: germline.

NM_015272.5(RPGRIP1L):c.3330C>T (p.Ser1110=)

Gene: RPGRIP1L (RPGRIP1 like; minus strand). Cytogenetic location: 16q12.2.
Variant type: single nucleotide variant.
Coding change: c.3330C>T on transcript NM_015272.5 (MANE Select); coding-DNA position 3330, C replaced by T.
Protein change: p.Ser1110=; no amino-acid change (serine 1110 retained).
Molecular consequence: synonymous variant. On other transcripts: intron variant (2).
Genome position (GRCh38, 1-based): chr16:53,622,321, G>A on the plus strand (C>T on the coding strand, the complement: RPGRIP1L is on the minus strand). VCF-style: chr16-53622321-G-A. GRCh37 (hg19) VCF-style: chr16-53656233-G-A.
Other names: c.3330C>T (NM_015272.4); c.3228C>T, p.Ser1076= (NM_001330538.2); c.3193-3113C>T (NM_001127897.4); c.3295-3113C>T (NM_001308334.3).
Identifiers: ClinVar variation 1529599 (VCV001529599.9), dbSNP rs1304423187, ClinGen allele CA495538088.
Genomic context (GRCh38, chr16:53,622,321, plus strand): 5'-GGCTGAGGCAGGAAAATCGCTGGAACCCGGGAGGCGGAAGTTGCAGTGAGCTGAGATCGC[G>A]CTACTGCACCCCAGCCCGGGAGACAATGCGAGACTCTGTCTCAAAAAAAAAAAAAAAATC-3'
Protein context (NP_056087.2, residues 1100-1120): LALSPGLGCS[Ser1110=]AISAHCNFRL